The following is an entry in ClinVar:

ClinVar aggregate classification (germline): Uncertain significance (1 of 4 stars; one submission).

Conditions:
Short-rib thoracic dysplasia 6 with or without polydactyly (SRTD6). Also called: POLYDACTYLY WITH NEONATAL CHONDRODYSTROPHY, TYPE II; SHORT RIB-POLYDACTYLY SYNDROME, TYPE IIA; Majewski Syndrome; SHORT-RIB THORACIC DYSPLASIA 6 WITH POLYDACTYLY; SHORT-RIB THORACIC DYSPLASIA 6 WITHOUT POLYDACTYLY. Identifiers: MedGen C0024507, MONDO:0009894, OMIM 263520.

Allele frequency attached by ClinVar (database versions not stated): gnomAD exomes below 0.00001; TOPMed below 0.00001; gnomAD 0.00001.
gnomAD v4.1: 5 of 1,611,932 alleles (0.00031%); highest among the groups gnomAD compares: Non-Finnish European, 0.00042%; no homozygotes.

Submission:

Labcorp Genetics (formerly Invitae), Labcorp
Classification: Uncertain significance for Short-rib thoracic dysplasia 6 with or without polydactyly. Last evaluated: 2023-09-27. Review status: criteria provided, single submitter. Criteria: Invitae Variant Classification Sherloc (09022015). Collection method: clinical testing. Allele origin: germline.
Comment: In summary, the available evidence is currently insufficient to determine the role of this variant in disease. Therefore, it has been classified as a Variant of Uncertain Significance. Advanced modeling of protein sequence and biophysical properties (such as structural, functional, and spatial information, amino acid conservation, physicochemical variation, residue mobility, and thermodynamic stability) performed at Invitae indicates that this missense variant is not expected to disrupt NEK1 protein function. This variant has not been reported in the literature in individuals affected with NEK1-related conditions. This variant is not present in population databases (gnomAD no frequency). This sequence change replaces histidine, which is basic and polar, with arginine, which is basic and polar, at codon 659 of the NEK1 protein (p.His659Arg).

NM_001199397.3(NEK1):c.2060A>G (p.His687Arg)

Gene: NEK1 (NIMA related kinase 1; minus strand). Cytogenetic location: 4q33.
Variant type: single nucleotide variant.
Coding change: c.2060A>G on transcript NM_001199397.3 (MANE Select); coding-DNA position 2060, A replaced by G.
Protein change: p.His687Arg; replaces histidine 687 with arginine.
Molecular consequence: missense variant. On other transcripts: non-coding transcript variant (1).
Genome position (GRCh38, 1-based): chr4:169,479,482, T>C on the plus strand (A>G on the coding strand, the complement: NEK1 is on the minus strand). VCF-style: chr4-169479482-T-C. GRCh37 (hg19) VCF-style: chr4-170400633-T-C.
Other names: c.1928A>G, p.His643Arg (NM_001199398.3); c.1769A>G, p.His590Arg (NM_001199399.3); c.1844A>G, p.His615Arg (NM_001199400.3); c.2060A>G, p.His687Arg (NM_001374418.1); c.1976A>G, p.His659Arg (NM_001374419.1, NM_012224.4); c.1925A>G, p.His642Arg (NM_001374420.1); c.1754A>G, p.His585Arg (NM_001374421.1); short protein forms H590R, H585R, H659R, H642R, H615R, H643R, H687R.
Identifiers: ClinVar variation 2984702 (VCV002984702.3), dbSNP rs944312566, ClinGen allele CA109901658.
Genomic context (GRCh38, chr4:169,479,482, plus strand): 5'-GCTGAAGTTACAGAAATAACAGATCTCATCTGTTGCTTTGATGGAGAGCCACCTGTTTCA[T>C]GCTGTCCCAAAGGTGGAGAAACATCAGAACTCTTAACTCCTTTAGCCACCAACTATAAAA-3'
Protein context (NP_001186326.1, residues 677-697): SSDVSPPLGQ[His687Arg]ETGGSPSKQQ